The following is an entry in ClinVar:

NM_005026.5(PIK3CD):c.373C>A (p.Leu125Ile)

Gene: PIK3CD (phosphatidylinositol-4,5-bisphosphate 3-kinase catalytic subunit delta; plus strand). Cytogenetic location: 1p36.22.
Variant type: single nucleotide variant.
Coding change: c.373C>A on transcript NM_005026.5 (MANE Select); coding-DNA position 373, C replaced by A.
Protein change: p.Leu125Ile; replaces leucine 125 with isoleucine.
Molecular consequence: missense variant.
Genome position (GRCh38, 1-based): chr1:9,715,851, C>A. VCF-style: chr1-9715851-C-A. GRCh37 (hg19) VCF-style: chr1-9775909-C-A.
Other names: c.373C>A, p.Leu125Ile (NM_001350234.2, NM_001350235.1); c.373C>A (NM_005026.3); short protein forms L125I.
Identifiers: ClinVar variation 1417280 (VCV001417280.9), dbSNP rs1410662789, ClinGen allele CA338300463.

ClinVar aggregate classification (germline): Uncertain significance. Review status: criteria provided, multiple submitters, no conflicts (2 of 4 stars). 2 submissions from 2 submitters: Uncertain significance (2). Last evaluated 2025-02-26.

Conditions:
Inborn genetic diseases. Identifiers: MedGen C0950123, MeSH D030342.
Immunodeficiency 14 (IMD14A). Also called: ACTIVATED PI3K-DELTA SYNDROME 1; Activated PI3K Delta Syndrome Type 1 (APDS1); p110-DELTA-ACTIVATING MUTATION CAUSING SENESCENT T CELLS, LYMPHADENOPATHY, AND IMMUNODEFICIENCY; IMMUNODEFICIENCY 14A WITH LYMPHOPROLIFERATION, AUTOSOMAL DOMINANT. Identifiers: Orphanet 397596, Orphanet 693661, MedGen C5907821, MONDO:0014222, OMIM 615513.

Allele frequency attached by ClinVar (database versions not stated): TOPMed below 0.00001; gnomAD 0.00003.

Submissions (2):

Ambry Genetics
Classification: Uncertain significance for Inborn genetic diseases. Last evaluated: 2025-02-26. Review status: criteria provided, single submitter. Criteria: Ambry Variant Classification Scheme 2023. Collection method: clinical testing. Allele origin: germline.

Labcorp Genetics (formerly Invitae), Labcorp
Classification: Uncertain significance for Activated PI3K-delta syndrome. Last evaluated: 2022-07-06. Review status: criteria provided, single submitter. Criteria: Invitae Variant Classification Sherloc (09022015). Collection method: clinical testing. Allele origin: germline.
Comment: In summary, the available evidence is currently insufficient to determine the role of this variant in disease. Therefore, it has been classified as a Variant of Uncertain Significance. Algorithms developed to predict the effect of missense changes on protein structure and function are either unavailable or do not agree on the potential impact of this missense change (SIFT: "Tolerated"; PolyPhen-2: "Possibly Damaging"; Align-GVGD: "Class C0"). ClinVar contains an entry for this variant (Variation ID: 1417280). This variant has not been reported in the literature in individuals affected with PIK3CD-related conditions. This variant is not present in population databases (gnomAD no frequency). This sequence change replaces leucine, which is neutral and non-polar, with isoleucine, which is neutral and non-polar, at codon 125 of the PIK3CD protein (p.Leu125Ile).